The following is an entry in ClinVar:

ClinVar aggregate classification (germline): Conflicting classifications of pathogenicity. Review status: criteria provided, conflicting classifications (1 of 4 stars). 7 submissions from 7 submitters: Uncertain significance (3); Likely benign (2). 2 of the submissions do not count toward it. Last evaluated 2026-01-30.

Conditions:
Neuronal ceroid lipofuscinosis. Also called: Neuronal Ceroid Lipofuscinoses. Identifiers: Orphanet 216, Orphanet 79263, MedGen C0027877, MONDO:0016295. Disease mechanism: loss of function.
Neuronal ceroid lipofuscinosis 3 (CLN3). Identifiers: Orphanet 228346, MedGen C0751383, MONDO:0008767, OMIM 204200.
CLN3-related disorder. Also called: CLN3-related condition. Identifiers: MedGen CN382248.
Inborn genetic diseases. Identifiers: MedGen C0950123, MeSH D030342.

Allele frequency attached by ClinVar (database versions not stated): gnomAD exomes 0.00019; ExAC 0.00029; gnomAD 0.00070 and 0.00074; TOPMed 0.00077; 1000 Genomes Project 0.00100; 1000 Genomes Project 30x 0.00109; ESP Exome Variant Server 0.00139.
gnomAD v4.1: 215 of 1,614,140 alleles (0.013%); highest among the groups gnomAD compares: African/African-American, 0.25%; no homozygotes.

Submissions (7):

Labcorp Genetics (formerly Invitae), Labcorp
Classification: Likely benign for Neuronal ceroid lipofuscinosis. Last evaluated: 2026-01-30. Review status: criteria provided, single submitter. Criteria: Invitae Variant Classification Sherloc (09022015). Collection method: clinical testing. Allele origin: germline.

Blueprint Genetics
Classification: Likely benign. Last evaluated: 2024-11-26. Review status: criteria provided, single submitter. Criteria: ACMG Guidelines, 2015. Collection method: clinical testing. Allele origin: germline.

GeneDx
Classification: Uncertain significance. Last evaluated: 2024-05-31. Review status: criteria provided, single submitter. Criteria: GeneDx Variant Classification Process June 2021. Collection method: clinical testing. Allele origin: germline. Affected: yes.
Comment: In silico analysis indicates that this missense variant does not alter protein structure/function; Has not been previously published as pathogenic or benign to our knowledge

Genome-Nilou Lab
Classification: Uncertain significance for Neuronal ceroid lipofuscinosis 3. Last evaluated: 2021-08-10. Review status: criteria provided, single submitter. Criteria: ACMG Guidelines, 2015. Collection method: clinical testing. Allele origin: germline. Affected: no.

Ambry Genetics
Classification: Uncertain significance for Inborn genetic diseases. Last evaluated: 2018-10-11. Review status: criteria provided, single submitter. Criteria: Ambry Variant Classification Scheme 2023. Collection method: clinical testing. Allele origin: germline.
Comment: The p.T80S variant (also known as c.238A>T), located in coding exon 4 of the CLN3 gene, results from an A to T substitution at nucleotide position 238. The threonine at codon 80 is replaced by serine, an amino acid with similar properties. This amino acid position is not well conserved in available vertebrate species. In addition, the in silico prediction for this alteration is inconclusive. Since supporting evidence is limited at this time, the clinical significance of this alteration remains unclear.

PreventionGenetics, part of Exact Sciences
Classification: Likely benign for CLN3-related condition. Last evaluated: 2022-09-07. Review status: no assertion criteria provided. Collection method: clinical testing. Allele origin: germline. Not counted in ClinVar's aggregate classification.
Comment: This variant is classified as likely benign based on ACMG/AMP sequence variant interpretation guidelines (Richards et al. 2015 PMID: 25741868, with internal and published modifications).

Natera, Inc.
Classification: Uncertain significance for Neuronal ceroid lipofuscinosis. Last evaluated: 2020-04-24. Review status: no assertion criteria provided. Collection method: clinical testing. Allele origin: germline. Not counted in ClinVar's aggregate classification.

NM_001042432.2(CLN3):c.238A>T (p.Thr80Ser)

Gene: CLN3 (CLN3 lysosomal/endosomal transmembrane protein, battenin; minus strand). Cytogenetic location: 16p12.1.
Variant type: single nucleotide variant.
Coding change: c.238A>T on transcript NM_001042432.2 (MANE Select); coding-DNA position 238, A replaced by T.
Protein change: p.Thr80Ser; replaces threonine 80 with serine.
Molecular consequence: missense variant. On other transcripts: intron variant (2).
Genome position (GRCh38, 1-based): chr16:28,488,647, T>A on the plus strand (A>T on the coding strand, the complement: CLN3 is on the minus strand). VCF-style: chr16-28488647-T-A. GRCh37 (hg19) VCF-style: chr16-28499968-T-A.
Other names: c.238A>T, p.Thr80Ser (NM_000086.2); c.18A>T, p.Gln6His (NM_001286105.2); c.76A>T, p.Thr26Ser (NM_001286110.2); c.60+643A>T (NM_001286109.2); c.222+643A>T (NM_001286104.2); short protein forms T80S, T26S, Q6H.
Identifiers: ClinVar variation 418136 (VCV000418136.24), dbSNP rs150348015, ClinGen allele CA7981009.
Genomic context (GRCh38, chr16:28,488,647, plus strand): 5'-GCACAGCCGTAGAGACAGAGTTGCAGTCAAATCGTGATGAGCTGTTGTGGGGGATCGGCG[T>A]TGGGCCTGGGTCCACCTAATGGGAGAAAAGCATGTCTTTCACCCTGGAGGCAGAGGGATA-3'
Protein context (NP_001035897.1, residues 70-90): GNQSHVDPGP[Thr80Ser]PIPHNSSSRF